The following is an entry in ClinVar:

ClinVar aggregate classification (germline): Uncertain significance (0 of 4 stars; one submission).

Conditions:
IFT27-related disorder. Also called: IFT27-related condition.

Submission:

PreventionGenetics, part of Exact Sciences
Classification: Uncertain significance for IFT27-related condition. Last evaluated: 2024-05-29. Review status: no assertion criteria provided. Collection method: clinical testing. Allele origin: germline.
Comment: The IFT27 c.473delA variant is predicted to result in a frameshift and premature protein termination (p.Asn158Thrfs*51). To our knowledge, this variant has not been reported in the literature or in a large population database, indicating this variant is rare. Only a few truncating variants in this gene have been reported in individuals with Bardet-Biedl syndrome in the Human Gene Mutation Database and in ClinVar. Although we suspect that this variant may be pathogenic, at this time, the clinical significance of this variant is uncertain due to the absence of conclusive functional and genetic evidence.

NM_001177701.3(IFT27):c.476del (p.Asn159fs)

Genes: CACNG2-DT (CACNG2 divergent transcript; plus strand), IFT27 (intraflagellar transport 27; minus strand). Cytogenetic location: 22q12.3.
Variant type: Deletion.
Coding change: c.476del on transcript NM_001177701.3 (MANE Select); coding-DNA position 476, one base deleted (A; older notation c.476delA).
Protein change: p.Asn159fs; shifts the reading frame from asparagine 159.
Molecular consequence: frameshift variant.
Genome position (GRCh38, 1-based): chr22:36,758,396, T deleted on the plus strand (A on the coding strand, the reverse complement: IFT27 is on the minus strand); the first of 4 consecutive T bases (chr22:36,758,396-36,758,399); deleting any one gives the same sequence. VCF-style (leftmost placement, unchanged base first): chr22-36758395-GT-G. GRCh37 (hg19) VCF-style: chr22-37154439-GT-G.
Other names: c.476del, p.Asn159fs (NM_001363003.2); c.473del, p.Asn158fs (NM_006860.5); short protein forms N158fs, N159fs.
Identifiers: ClinVar variation 3347332 (VCV003347332.1).